The following is an entry in ClinVar:

NM_003738.5(PTCH2):c.755G>A (p.Cys252Tyr)

Gene: PTCH2 (patched 2; minus strand). Cytogenetic location: 1p34.1.
Variant type: single nucleotide variant.
Coding change: c.755G>A on transcript NM_003738.5 (MANE Select); coding-DNA position 755, G replaced by A.
Protein change: p.Cys252Tyr; replaces cysteine 252 with tyrosine.
Molecular consequence: missense variant.
Genome position (GRCh38, 1-based): chr1:44,830,906, C>T on the plus strand (G>A on the coding strand, the complement: PTCH2 is on the minus strand). VCF-style: chr1-44830906-C-T. GRCh37 (hg19) VCF-style: chr1-45296578-C-T.
Other names: c.755G>A (NM_003738.4); c.755G>A, p.Cys252Tyr (NM_001166292.2); short protein forms C252Y.
Identifiers: ClinVar variation 1359927 (VCV001359927.9), dbSNP rs756377856, ClinGen allele CA823535.

ClinVar aggregate classification (germline): Uncertain significance. Review status: criteria provided, multiple submitters, no conflicts (2 of 4 stars). 2 submissions from 2 submitters: Uncertain significance (2). Last evaluated 2023-03-01.

Conditions:
Gorlin syndrome. Also called: Basal cell nevus syndrome; Nevoid Basal Cell Carcinoma Syndrome. Identifiers: Orphanet 377, MedGen C0004779, MONDO:0007187.

Allele frequency attached by ClinVar (database versions not stated): ExAC 0.00002; gnomAD exomes 0.00003.
gnomAD v4.1: 35 of 1,581,658 alleles (0.0022%); highest among the groups gnomAD compares: South Asian, 0.0011%; no homozygotes.

Submissions (2):

Ambry Genetics
Classification: Uncertain significance. Last evaluated: 2023-03-01. Review status: criteria provided, single submitter. Criteria: Ambry Variant Classification Scheme 2023. Collection method: clinical testing. Allele origin: germline.

Labcorp Genetics (formerly Invitae), Labcorp
Classification: Uncertain significance for Gorlin syndrome. Last evaluated: 2021-04-09. Review status: criteria provided, single submitter. Criteria: Invitae Variant Classification Sherloc (09022015). Collection method: clinical testing. Allele origin: germline.
Comment: In summary, the available evidence is currently insufficient to determine the role of this variant in disease. Therefore, it has been classified as a Variant of Uncertain Significance. This sequence change replaces cysteine with tyrosine at codon 252 of the PTCH2 protein (p.Cys252Tyr). The cysteine residue is highly conserved and there is a large physicochemical difference between cysteine and tyrosine. This variant is present in population databases (rs756377856, ExAC 0.03%). This variant has not been reported in the literature in individuals with PTCH2-related conditions. Algorithms developed to predict the effect of missense changes on protein structure and function are either unavailable or do not agree on the potential impact of this missense change (SIFT: "Deleterious"; PolyPhen-2: "Probably Damaging"; Align-GVGD: "Class C0").